The following is an entry in ClinVar:

ClinVar aggregate classification (germline): Uncertain significance. Review status: criteria provided, multiple submitters, no conflicts (2 of 4 stars). 2 submissions from 2 submitters: Uncertain significance (2). Last evaluated 2024-09-23.

Conditions:
Glycogen storage disease IXb (GSD9B). Also called: PHOSPHORYLASE KINASE DEFICIENCY OF LIVER AND MUSCLE, AUTOSOMAL RECESSIVE; GLYCOGENOSIS OF LIVER AND MUSCLE, AUTOSOMAL RECESSIVE; GSD IXb. Identifiers: Orphanet 79240, MedGen C0543514, MONDO:0009868, OMIM 261750.

Allele frequency attached by ClinVar (database versions not stated): gnomAD 0.00001; gnomAD exomes 0.00001; ExAC 0.00002.
gnomAD v4.1: 21 of 1,613,898 alleles (0.0013%); highest among the groups gnomAD compares: Non-Finnish European, 0.0016%; no homozygotes.

Submissions (2):

Blueprint Genetics
Classification: Uncertain significance. Last evaluated: 2024-09-23. Review status: criteria provided, single submitter. Criteria: ACMG Guidelines, 2015. Collection method: clinical testing. Allele origin: germline.

Labcorp Genetics (formerly Invitae), Labcorp
Classification: Uncertain significance for Glycogen storage disease IXb. Last evaluated: 2022-08-21. Review status: criteria provided, single submitter. Criteria: Invitae Variant Classification Sherloc (09022015). Collection method: clinical testing. Allele origin: germline.
Comment: This sequence change replaces alanine, which is neutral and non-polar, with valine, which is neutral and non-polar, at codon 1072 of the PHKB protein (p.Ala1072Val). This variant is present in population databases (rs775709533, gnomAD 0.004%). This variant has not been reported in the literature in individuals affected with PHKB-related conditions. Algorithms developed to predict the effect of missense changes on protein structure and function output the following: SIFT: "Tolerated"; PolyPhen-2: "Benign"; Align-GVGD: "Class C0". The valine amino acid residue is found in multiple mammalian species, which suggests that this missense change does not adversely affect protein function. In summary, the available evidence is currently insufficient to determine the role of this variant in disease. Therefore, it has been classified as a Variant of Uncertain Significance.

NM_000293.3(PHKB):c.3215C>T (p.Ala1072Val)

Gene: PHKB (phosphorylase kinase regulatory subunit beta; plus strand). Cytogenetic location: 16q12.1.
Variant type: single nucleotide variant.
Coding change: c.3215C>T on transcript NM_000293.3 (MANE Select); coding-DNA position 3215, C replaced by T.
Protein change: p.Ala1072Val; replaces alanine 1072 with valine.
Molecular consequence: missense variant.
Genome position (GRCh38, 1-based): chr16:47,699,299, C>T. VCF-style: chr16-47699299-C-T. GRCh37 (hg19) VCF-style: chr16-47733210-C-T.
Other names: c.3194C>T, p.Ala1065Val (NM_001031835.3); c.3215C>T, p.Ala1072Val (NM_001363837.1); short protein forms A1065V, A1072V.
Identifiers: ClinVar variation 2147168 (VCV002147168.2), dbSNP rs775709533, ClinGen allele CA8041486.